The following is an entry in ClinVar:

ClinVar aggregate classification (germline): Pathogenic (1 of 4 stars; one submission).

Conditions:
Developmental and epileptic encephalopathy, 25 (DEE25). Also called: Epileptic encephalopathy, early infantile, 25; Developmental and epileptic encephalopathy 25, with amelogenesis imperfecta; Epileptic encephalopathy, early infantile, 25, with amelogenesis imperfecta. Identifiers: Orphanet 442835, MedGen C4014621, MONDO:0014392, OMIM 615905.

Submission:

Labcorp Genetics (formerly Invitae), Labcorp
Classification: Pathogenic for Developmental and epileptic encephalopathy, 25. Last evaluated: 2020-07-14. Review status: criteria provided, single submitter. Criteria: Invitae Variant Classification Sherloc (09022015). Collection method: clinical testing. Allele origin: germline.
Comment: This variant is a gross deletion of the genomic region encompassing exon 1 of the SLC13A5 gene, which includes the initiator codon. The 5' end of this event is unknown as it extends beyond the assayed region for this gene and therefore may encompass additional genes. The 3' boundary is likely confined to intron 1 of the SLC13A5 gene. This is expected to result in an absent or disrupted protein product. This variant has not been reported in the literature in individuals with SLC13A5-related conditions. Loss-of-function variants in SLC13A5 are known to be pathogenic (PMID: 24995870, 26384929). For these reasons, this variant has been classified as Pathogenic.

Literature cited by the submitters: PubMed 24995870; PubMed 26384929.

NC_000017.10:g.(?_6616531)_(6616672_?)del

Gene: SLC13A5 (solute carrier family 13 member 5; minus strand). Cytogenetic location: 17p13.1.
Variant type: Deletion.
Identifiers: ClinVar variation 1070161 (VCV001070161.2).